The following is an entry in ClinVar:

NM_000334.4(SCN4A):c.2014C>A (p.Arg672Ser)

Gene: SCN4A (sodium voltage-gated channel alpha subunit 4; minus strand). Cytogenetic location: 17q23.3.
Variant type: single nucleotide variant.
Coding change: c.2014C>A on transcript NM_000334.4 (MANE Select); coding-DNA position 2014, C replaced by A.
Protein change: p.Arg672Ser; replaces arginine 672 with serine.
Molecular consequence: missense variant.
Genome position (GRCh38, 1-based): chr17:63,959,270, G>T on the plus strand (C>A on the coding strand, the complement: SCN4A is on the minus strand). VCF-style: chr17-63959270-G-T. GRCh37 (hg19) VCF-style: chr17-62036630-G-T.
Other names: short protein forms R672S.
Identifiers: ClinVar variation 5916 (VCV000005916.19), dbSNP rs80338785, ClinGen allele CA253654.
Genomic context (GRCh38, chr17:63,959,270, plus strand): 5'-TTAGTCTCCTCACCCCACCCCCATCCCAGCCCCTGGCCCTGGGGCTTTTGTGTACCAGAC[G>T]GAAGGAGCGTAGCACAGACAGTCCCTGTACGTTGGCCAGGCCTAGCTCTACCAGGCTGAG-3'
Protein context (NP_000325.4, residues 662-682): VQGLSVLRSF[Arg672Ser]LLRVFKLAKS

ClinVar aggregate classification (germline): Pathogenic/Likely pathogenic. Review status: criteria provided, multiple submitters, no conflicts (2 of 4 stars). 8 submissions from 7 submitters: Pathogenic (2); Likely pathogenic (2). 4 of the submissions do not count toward it. Last evaluated 2026-06-18.

Conditions:
Hypokalemic periodic paralysis (HOKPP). Identifiers: Orphanet 681, MedGen C0238358, MONDO:0008223.
Hypokalemic periodic paralysis, type 2 (HOKPP2). Identifiers: Orphanet 681, MedGen C2750061, MONDO:0013234, OMIM 613345.
Hyperkalemic periodic paralysis. Also called: Gamstorp disease; Familial hyperkalemic periodic paralysis. Identifiers: Orphanet 682, MedGen C0238357, MONDO:0008224, OMIM 170500, HP:0007215.

Allele frequency attached by ClinVar (database versions not stated): TOPMed below 0.00001.

Submissions (8):

Women's Health and Genetics/Laboratory Corporation of America, LabCorp
Classification: Pathogenic for Hyperkalemic periodic paralysis. Last evaluated: 2026-06-18. Review status: criteria provided, single submitter. Criteria: LabCorp Variant Classification Summary - May 2015. Collection method: clinical testing. Allele origin: germline.
Comment: Variant summary: SCN4A c.2014C>A (p.Arg672Ser) results in a non-conservative amino acid change in the encoded protein sequence. Algorithms developed to predict the effect of missense changes on protein structure and function all suggest that this variant is likely to be disruptive. The variant was absent in 247856 control chromosomes (gnomAD). c.2014C>A has been observed in multiple individuals affected with Periodic Hyperkalemic Paralysis and this variant co-segregated with the disease (Bendahhou_2001, Davies_2001, Wang_2015). These data indicate that the variant is very likely to be associated with disease. A different variant affecting the same codon has been classified as pathogenic by our lab (c.2015G>A, p.Arg672His), supporting the critical relevance of codon 672 to SCN4A protein function. At least one publication reports experimental evidence evaluating an impact on protein function and this variant affects SCN4A protein function (Bendahhou_2001). The following publications have been ascertained in the context of this evaluation (PMID: 11558801, 11591859, 26252573). ClinVar contains an entry for this variant (Variation ID: 5916). Based on the evidence outlined above, the variant was classified as pathogenic.

Labcorp Genetics (formerly Invitae), Labcorp
Classification: Pathogenic for Hyperkalemic periodic paralysis. Last evaluated: 2025-08-09. Review status: criteria provided, single submitter. Criteria: Invitae Variant Classification Sherloc (09022015). Collection method: clinical testing. Allele origin: germline.
Comment: This sequence change replaces arginine, which is basic and polar, with serine, which is neutral and polar, at codon 672 of the SCN4A protein (p.Arg672Ser). This variant is not present in population databases (gnomAD no frequency). This missense change has been observed in individuals with autosomal dominant hypokalemic periodic paralysis (PMID: 11558801, 11591859, 15557532, 15645704, 26252573). It has also been observed to segregate with disease in related individuals. ClinVar contains an entry for this variant (Variation ID: 5916). Invitae Evidence Modeling of protein sequence and biophysical properties (such as structural, functional, and spatial information, amino acid conservation, physicochemical variation, residue mobility, and thermodynamic stability) indicates that this missense variant is expected to disrupt SCN4A protein function with a positive predictive value of 80%. Experimental studies have shown that this missense change affects SCN4A function (PMID: 11558801, 18824591). This variant disrupts the p.Arg672 amino acid residue in SCN4A. Other variant(s) that disrupt this residue have been determined to be pathogenic (PMID: 10944223, 11912116, 15482957, 17330043, 18824591, 19225109, 20660662, 22253645, 23019082, 25024265, 26252573). This suggests that this residue is clinically significant, and that variants that disrupt this residue are likely to be disease-causing. For these reasons, this variant has been classified as Pathogenic.

GeneDx
Classification: Likely pathogenic. Last evaluated: 2024-12-09. Review status: criteria provided, single submitter. Criteria: GeneDx Variant Classification Process June 2021. Collection method: clinical testing. Allele origin: germline. Affected: yes.
Comment: Functional studies assessing the impact of the analogous amino acid change in the rat isoform revealed altered channel dynamics, suggestive of an inwardly rectifying leaky pore at resting state (PMID: 18824591, 29769724); In silico analysis supports that this missense variant has a deleterious effect on protein structure/function; Not observed at significant frequency in large population cohorts (gnomAD); This variant is associated with the following publications: (PMID: 26252573, 15645704, 16890191, 14504341, 15557532, 11558801, 29769724, 11353725, 18824591, 10944223, 11591859)

Revvity Omics, Revvity
Classification: Likely pathogenic. Last evaluated: 2023-12-04. Review status: criteria provided, single submitter. Criteria: ACMG Guidelines, 2015. Collection method: clinical testing. Allele origin: germline.

Molecular Genetics Laboratory, BC Children's and BC Women's Hospitals
Classification: Pathogenic for Hypokalemic periodic paralysis. Last evaluated: 2023-11-29. Review status: no assertion criteria provided. Criteria: ACMG Guidelines, 2015. Collection method: clinical testing. Allele origin: germline. Affected: yes. Not counted in ClinVar's aggregate classification.

OMIM
Classification: Pathogenic for HYPOKALEMIC PERIODIC PARALYSIS, TYPE 2. Last evaluated: 2004-11-23. Review status: no assertion criteria provided. Collection method: literature only. Allele origin: germline. Not counted in ClinVar's aggregate classification.

GeneReviews
No classification provided. Condition: Hypokalemic periodic paralysis, type 2. Review status: no classification provided. Collection method: literature only. Allele origin: germline. Not counted in ClinVar's aggregate classification.

GeneReviews
No classification provided. Condition: Hyperkalemic periodic paralysis. Review status: no classification provided. Collection method: literature only. Allele origin: germline. Affected: yes. Not counted in ClinVar's aggregate classification.

Literature cited by the submitters: PubMed 11558801 (cited by 3 submitters); PubMed 11591859 (cited by 4 submitters); PubMed 26252573 (cited by Women's Health and Genetics/Laboratory Corporation of America, LabCorp and Labcorp Genetics (formerly Invitae), Labcorp); PubMed 15557532 (cited by Labcorp Genetics (formerly Invitae), Labcorp and OMIM); PubMed 15645704 (cited by Labcorp Genetics (formerly Invitae), Labcorp); PubMed 18824591 (cited by Labcorp Genetics (formerly Invitae), Labcorp); PubMed 10944223 (cited by Labcorp Genetics (formerly Invitae), Labcorp); PubMed 11912116 (cited by Labcorp Genetics (formerly Invitae), Labcorp); PubMed 15482957 (cited by Labcorp Genetics (formerly Invitae), Labcorp); PubMed 17330043 (cited by Labcorp Genetics (formerly Invitae), Labcorp); PubMed 19225109 (cited by Labcorp Genetics (formerly Invitae), Labcorp); PubMed 20660662 (cited by Labcorp Genetics (formerly Invitae), Labcorp); PubMed 22253645 (cited by Labcorp Genetics (formerly Invitae), Labcorp); PubMed 23019082 (cited by Labcorp Genetics (formerly Invitae), Labcorp); PubMed 25024265 (cited by Labcorp Genetics (formerly Invitae), Labcorp); NCBI Bookshelf NBK1496 (cited by GeneReviews).